The following is an entry in ClinVar:

ClinVar aggregate classification (germline): Uncertain significance (1 of 4 stars; one submission).

Conditions:
Baller-Gerold syndrome (BGS). Also called: CRANIOSYNOSTOSIS WITH RADIAL DEFECTS. Identifiers: Orphanet 1225, MedGen C0265308, MONDO:0009039, OMIM 218600.

Allele frequency attached by ClinVar (database versions not stated): gnomAD exomes below 0.00001.
gnomAD v4.1: 1 of 1,612,102 alleles (0.000062%); highest among the groups gnomAD compares: Non-Finnish European, 0.000085%; no homozygotes.

Submission:

Labcorp Genetics (formerly Invitae), Labcorp
Classification: Uncertain significance for Baller-Gerold syndrome. Last evaluated: 2024-05-07. Review status: criteria provided, single submitter. Criteria: Invitae Variant Classification Sherloc (09022015). Collection method: clinical testing. Allele origin: germline.
Comment: This sequence change replaces aspartic acid, which is acidic and polar, with alanine, which is neutral and non-polar, at codon 994 of the RECQL4 protein (p.Asp994Ala). This variant is not present in population databases (gnomAD no frequency). This variant has not been reported in the literature in individuals affected with RECQL4-related conditions. Advanced modeling of protein sequence and biophysical properties (such as structural, functional, and spatial information, amino acid conservation, physicochemical variation, residue mobility, and thermodynamic stability) performed at Invitae indicates that this missense variant is not expected to disrupt RECQL4 protein function with a negative predictive value of 80%. In summary, the available evidence is currently insufficient to determine the role of this variant in disease. Therefore, it has been classified as a Variant of Uncertain Significance.

NM_004260.4(RECQL4):c.2981A>C (p.Asp994Ala)

Gene: RECQL4 (RecQ like helicase 4; minus strand). Cytogenetic location: 8q24.3.
Variant type: single nucleotide variant.
Coding change: c.2981A>C on transcript NM_004260.4 (MANE Select); coding-DNA position 2981, A replaced by C.
Protein change: p.Asp994Ala; replaces aspartic acid 994 with alanine.
Molecular consequence: missense variant. On other transcripts: non-coding transcript variant (3).
Genome position (GRCh38, 1-based): chr8:144,512,466, T>G on the plus strand (A>C on the coding strand, the complement: RECQL4 is on the minus strand). VCF-style: chr8-144512466-T-G. GRCh37 (hg19) VCF-style: chr8-145737849-T-G.
Other names: c.1844A>C, p.Asp615Ala (NM_001413030.1, NM_001413032.1, NM_001413027.1); c.1712A>C, p.Asp571Ala (NM_001413031.1, NM_001413038.1); c.2849A>C, p.Asp950Ala (NM_001413033.1); c.1910A>C, p.Asp637Ala (NM_001413034.1, NM_001413035.1, NM_001413021.1 and 4 more transcripts); c.2981A>C, p.Asp994Ala (NM_001413036.1); c.1778A>C, p.Asp593Ala (NM_001413037.1); c.2951A>C, p.Asp984Ala (NM_001413039.1); c.2687A>C, p.Asp896Ala (NM_001413017.1); and 9 more; short protein forms D593A, D640A, D951A, D994A, D1019A, D571A, D627A, D662A.
Identifiers: ClinVar variation 2836875 (VCV002836875.3), dbSNP rs1586795277, ClinGen allele CA372673003.